The following is an entry in ClinVar:

NM_000038.6(APC):c.5469C>A (p.Phe1823Leu)

Gene: APC (APC regulator of Wnt signaling pathway; plus strand). Cytogenetic location: 5q22.2.
Variant type: single nucleotide variant.
Coding change: c.5469C>A on transcript NM_000038.6 (MANE Select); coding-DNA position 5469, C replaced by A.
Protein change: p.Phe1823Leu; replaces phenylalanine 1823 with leucine.
Molecular consequence: missense variant. On other transcripts: non-coding transcript variant (2).
Genome position (GRCh38, 1-based): chr5:112,841,063, C>A. VCF-style: chr5-112841063-C-A. GRCh37 (hg19) VCF-style: chr5-112176760-C-A.
Other names: c.5469C>A, p.Phe1823Leu (NM_001127510.3, NM_001354895.2, NM_001407450.1); c.5415C>A, p.Phe1805Leu (NM_001127511.3); c.5523C>A, p.Phe1841Leu (NM_001354896.2, NM_001407447.1, NM_001407448.1 and 1 more transcripts); c.5499C>A, p.Phe1833Leu (NM_001354897.2); c.5394C>A, p.Phe1798Leu (NM_001354898.2); c.5385C>A, p.Phe1795Leu (NM_001354899.2); c.5346C>A, p.Phe1782Leu (NM_001354900.2); c.5292C>A, p.Phe1764Leu (NM_001354901.2, NM_001407453.1); and 11 more; short protein forms F1663L, F1697L, F1798L, F1841L, F1540L, F1694L, F1732L, F1782L.
Identifiers: ClinVar variation 4825072 (VCV004825072.1).
Genomic context (GRCh38, chr5:112,841,063, plus strand): 5'-AGTTTTCTCAGACAACAAAGATTCAAAGAAACAGAATTTGAAAAATAATTCCAAGGTCTT[C>A]AATGATAAGCTCCCAAATAATGAAGATAGAGTCAGAGGAAGTTTTGCTTTTGATTCACCT-3'
Protein context (NP_000029.2, residues 1813-1833): KQNLKNNSKV[Phe1823Leu]NDKLPNNEDR

ClinVar aggregate classification (germline): Uncertain significance (1 of 4 stars; one submission).

Conditions:
Hereditary cancer-predisposing syndrome. Also called: Neoplastic Syndromes, Hereditary; Tumor predisposition; Hereditary Cancer Syndrome; Hereditary neoplastic syndrome. Identifiers: Orphanet 140162, MedGen C0027672, MeSH D009386, MONDO:0015356.

Submission:

Ambry Genetics
Classification: Uncertain significance for Hereditary cancer-predisposing syndrome. Last evaluated: 2026-02-20. Review status: criteria provided, single submitter. Criteria: Ambry Variant Classification Scheme 2023. Collection method: clinical testing. Allele origin: germline.
Comment: The p.F1823L variant (also known as c.5469C>A), located in coding exon 15 of the APC gene, results from a C to A substitution at nucleotide position 5469. The phenylalanine at codon 1823 is replaced by leucine, an amino acid with highly similar properties. This amino acid position is conserved. In addition, in silico predictors for this gene do not accurately predict pathogenicity. Based on the available evidence, the clinical significance of this variant remains unclear.